The following is an entry in ClinVar:

NM_000552.5(VWF):c.6931C>T (p.Arg2311Cys)

Gene: VWF (von Willebrand factor; minus strand). Cytogenetic location: 12p13.31.
Variant type: single nucleotide variant.
Coding change: c.6931C>T on transcript NM_000552.5 (MANE Select); coding-DNA position 6931, C replaced by T.
Protein change: p.Arg2311Cys; replaces arginine 2311 with cysteine.
Molecular consequence: missense variant.
Genome position (GRCh38, 1-based): chr12:5,985,090, G>A on the plus strand (C>T on the coding strand, the complement: VWF is on the minus strand). VCF-style: chr12-5985090-G-A. GRCh37 (hg19) VCF-style: chr12-6094256-G-A.
Other names: short protein forms R2311C.
Identifiers: ClinVar variation 310046 (VCV000310046.8), dbSNP rs150725355, ClinGen allele CA6401840.

ClinVar aggregate classification (germline): Uncertain significance (1 of 4 stars; one submission).

Allele frequency attached by ClinVar (database versions not stated): TOPMed 0.00003; ExAC 0.00004; gnomAD exomes 0.00005 and 0.00006; gnomAD 0.00013 and 0.00014; ESP Exome Variant Server 0.00023.
gnomAD v4.1: 113 of 1,614,030 alleles (0.007%); highest among the groups gnomAD compares: Non-Finnish European, 0.0077%; no homozygotes.

Submission:

Women's Health and Genetics/Laboratory Corporation of America, LabCorp
Classification: Uncertain significance. Last evaluated: 2026-04-28. Review status: criteria provided, single submitter. Criteria: LabCorp Variant Classification Summary - May 2015. Collection method: clinical testing. Allele origin: germline.
Comment: Variant summary: VWF c.6931C>T (p.Arg2311Cys) results in a non-conservative amino acid change in the encoded protein sequence. Algorithms developed to predict the effect of missense changes on protein structure and function are either unavailable or do not agree on the potential impact of this missense change. The variant allele was found at a frequency of 4.8e-05 in 251480 control chromosomes (gnomAD). This frequency is not significantly higher than estimated for disease-causing variants in VWF, allowing no conclusion about variant significance. c.6931C>T has been observed in an individual(s) affected with Von Willebrand Disease (Naveed_2022). These data indicate that the variant may be associated with disease. To our knowledge, no experimental evidence demonstrating an impact on protein function has been reported. The following publications have been ascertained in the context of this evaluation (PMID: 34272389, 35741733). ClinVar contains an entry for this variant (Variation ID: 310046). Based on the evidence outlined above, the variant was classified as VUS-possibly pathogenic.

Literature cited by the submitters: PubMed 34272389; PubMed 35741733.